The following is an entry in ClinVar:

NM_015717.5(CD207):c.234C>T (p.Val78=)

Gene: CD207 (CD207 molecule; minus strand). Cytogenetic location: 2p13.3.
Variant type: single nucleotide variant.
Coding change: c.234C>T on transcript NM_015717.5 (MANE Select); coding-DNA position 234, C replaced by T.
Protein change: p.Val78=; no amino-acid change (valine 78 retained).
Molecular consequence: synonymous variant.
Genome position (GRCh38, 1-based): chr2:70,833,977, G>A on the plus strand (C>T on the coding strand, the complement: CD207 is on the minus strand). VCF-style: chr2-70833977-G-A. GRCh37 (hg19) VCF-style: chr2-71061108-G-A.
Identifiers: ClinVar variation 3060462 (VCV003060462.2), dbSNP rs17662453, ClinGen allele CA1700460.

ClinVar aggregate classification (germline): Benign (0 of 4 stars; one submission).

Conditions:
CD207-related disorder. Also called: CD207-related condition.

Allele frequency attached by ClinVar (database versions not stated): 1000 Genomes Project 30x 0.14179; 1000 Genomes Project 0.14217; gnomAD 0.18359; ESP Exome Variant Server 0.18483; TOPMed 0.18503; ExAC 0.20878; gnomAD exomes 0.20910.
gnomAD v4.1: 315,493 of 1,529,632 alleles (21%); highest among the groups gnomAD compares: Admixed American, 25%; 33,628 homozygotes.

Submission:

PreventionGenetics, part of Exact Sciences
Classification: Benign for CD207-related condition. Last evaluated: 2019-10-18. Review status: no assertion criteria provided. Collection method: clinical testing. Allele origin: germline.
Comment: This variant is classified as benign based on ACMG/AMP sequence variant interpretation guidelines (Richards et al. 2015 PMID: 25741868, with internal and published modifications).